The following is an entry in ClinVar:

NM_024120.5(NDUFAF5):c.450T>C (p.Asn150=)

Gene: NDUFAF5 (NADH:ubiquinone oxidoreductase complex assembly factor 5; plus strand). Cytogenetic location: 20p12.1.
Variant type: single nucleotide variant.
Coding change: c.450T>C on transcript NM_024120.5 (MANE Select); coding-DNA position 450, T replaced by C.
Protein change: p.Asn150=; no amino-acid change (asparagine 150 retained).
Molecular consequence: synonymous variant. On other transcripts: 5 prime UTR variant (2), non-coding transcript variant (5), intron variant (2).
Genome position (GRCh38, 1-based): chr20:13,794,912, T>C. VCF-style: chr20-13794912-T-C. GRCh37 (hg19) VCF-style: chr20-13775558-T-C.
Other names: c.-112T>C (NM_001352406.2, NM_001352407.2); c.450T>C, p.Asn150= (NM_001352408.2); c.395+1685T>C (NM_001039375.3); c.8+1685T>C (NM_001352403.2).
Identifiers: ClinVar variation 377598 (VCV000377598.13), dbSNP rs146324749, ClinGen allele CA9767765.

ClinVar aggregate classification (germline): Benign/Likely benign. Review status: criteria provided, multiple submitters, no conflicts (2 of 4 stars). 3 submissions from 3 submitters: Benign (1); Likely benign (2). Last evaluated 2026-01-26.

Allele frequency attached by ClinVar (database versions not stated): ExAC 0.00012; 1000 Genomes Project 0.00020; 1000 Genomes Project 30x 0.00031; gnomAD 0.00035 and 0.00039; ESP Exome Variant Server 0.00038; TOPMed 0.00038.
gnomAD v4.1: 118 of 1,612,388 alleles (0.0073%); highest among the groups gnomAD compares: African/African-American, 0.12%; 1 homozygote.

Submissions (3):

Labcorp Genetics (formerly Invitae), Labcorp
Classification: Likely benign. Last evaluated: 2026-01-26. Review status: criteria provided, single submitter. Criteria: Invitae Variant Classification Sherloc (09022015). Collection method: clinical testing. Allele origin: germline.

GeneDx
Classification: Benign. Last evaluated: 2015-04-20. Review status: criteria provided, single submitter. Criteria: GeneDx Variant Classification (06012015). Collection method: clinical testing. Allele origin: germline. Affected: yes.
Comment: This variant is considered likely benign or benign based on one or more of the following criteria: it is a conservative change, it occurs at a poorly conserved position in the protein, it is predicted to be benign by multiple in silico algorithms, and/or has population frequency not consistent with disease.

Breakthrough Genomics
Classification: Likely benign. Review status: criteria provided, single submitter. Criteria: ACMG Guidelines, 2015. Collection method: not provided. Allele origin: germline. Inheritance: Autosomal recessive inheritance. Affected: yes.